The following is an entry in ClinVar:

ClinVar aggregate classification (germline): Benign (3 of 4 stars; one submission).

Conditions:
Breast-ovarian cancer, familial, susceptibility to, 2 (BROVCA2). Also called: BRCA2 Hereditary Breast and Ovarian Cancer. Identifiers: Orphanet 145, MedGen C2675520, MONDO:0012933, OMIM 612555. Disease mechanism: loss of function.

Allele frequency attached by ClinVar (database versions not stated): gnomAD 0.00720; TOPMed 0.00828; 1000 Genomes Project 0.00839; 1000 Genomes Project 30x 0.00859.
gnomAD v4.1: 1,119 of 152,190 alleles (0.74%); highest among the groups gnomAD compares: African/African-American, 2.6%; 21 homozygotes.

Submission:

Evidence-based Network for the Interpretation of Germline Mutant Alleles (ENIGMA)
Classification: Benign for Breast-ovarian cancer, familial 2. Last evaluated: 2015-01-12. Review status: reviewed by expert panel. Criteria: ENIGMA BRCA1/2 Classification Criteria (2015). Collection method: curation. Allele origin: germline.
Comment: Class 1 not pathogenic based on frequency >1% in an outbred sampleset. Frequency 0.04268 (African), derived from 1000 genomes (2012-04-30).

NM_000059.4(BRCA2):c.8332-790C>A

Gene: BRCA2 (BRCA2 DNA repair associated; plus strand). Cytogenetic location: 13q13.1.
Variant type: single nucleotide variant.
Coding change: c.8332-790C>A on transcript NM_000059.4 (MANE Select); 790 bases into the intron before coding-DNA position 8332, C replaced by A.
Molecular consequence: intron variant.
Genome position (GRCh38, 1-based): chr13:32,369,612, C>A. VCF-style: chr13-32369612-C-A. GRCh37 (hg19) VCF-style: chr13-32943749-C-A.
Other names: IVS 18-790C>A.
Identifiers: ClinVar variation 209809 (VCV000209809.1), dbSNP rs11571738, ClinGen allele CA276777.
Genomic context (GRCh38, chr13:32,369,612, plus strand): 5'-TTCAGATTATTGTGAAGATAATTTGTTTGTTTGTTTTTTGGAGACGGAGGCACGCTCTGT[C>A]CCCCAGGCTGGAGTGCAGTGGCACAATCTCGGCTCACTGCACCCTCTGCCTCCCAGGTTC-3'